The following is an entry in ClinVar:

NM_000082.4(ERCC8):c.547C>T (p.Gln183Ter)

Gene: ERCC8 (ERCC excision repair 8, CSA ubiquitin ligase complex subunit; minus strand). Cytogenetic location: 5q12.1.
Variant type: single nucleotide variant.
Coding change: c.547C>T on transcript NM_000082.4 (MANE Select); coding-DNA position 547, C replaced by T.
Protein change: p.Gln183Ter; replaces glutamine 183 with a stop codon.
Molecular consequence: nonsense.
Genome position (GRCh38, 1-based): chr5:60,903,651, G>A on the plus strand (C>T on the coding strand, the complement: ERCC8 is on the minus strand). VCF-style: chr5-60903651-G-A. GRCh37 (hg19) VCF-style: chr5-60199478-G-A.
Other names: c.373C>T, p.Gln125Ter (NM_001007233.3); c.547C>T, p.Gln183Ter (NM_001007234.3); c.88C>T, p.Gln30Ter (NM_001290285.2); short protein forms Q30*, Q125*, Q183*.
Identifiers: ClinVar variation 3000695 (VCV003000695.5), dbSNP rs1748966825, ClinGen allele CA359826663.

ClinVar aggregate classification (germline): Pathogenic/Likely pathogenic. Review status: criteria provided, multiple submitters, no conflicts (2 of 4 stars). 3 submissions from 3 submitters: Pathogenic (1); Likely pathogenic (2). Last evaluated 2024-03-04.

Conditions:
ERCC8-related disorders.
Cockayne syndrome type 1. Also called: Cockayne syndrome type I; Cockayne syndrome classical; Cockayne syndrome classic form. Identifiers: Orphanet 191, Orphanet 90321, MedGen C0751039, MONDO:0019569, OMIM 216400.
UV-sensitive syndrome 2 (UVSS2). Identifiers: Orphanet 178338, MedGen C3553298, MONDO:0013829, OMIM 614621.

Allele frequency attached by ClinVar (database versions not stated): TOPMed below 0.00001.

Submissions (3):

Fulgent Genetics
Classification: Likely pathogenic for Cockayne syndrome type 1; UV-sensitive syndrome 2. Last evaluated: 2024-03-04. Review status: criteria provided, single submitter. Criteria: ACMG Guidelines, 2015. Collection method: clinical testing. Allele origin: germline.

Labcorp Genetics (formerly Invitae), Labcorp
Classification: Pathogenic. Last evaluated: 2023-03-18. Review status: criteria provided, single submitter. Criteria: Invitae Variant Classification Sherloc (09022015). Collection method: clinical testing. Allele origin: germline.
Comment: This sequence change creates a premature translational stop signal (p.Gln183*) in the ERCC8 gene. It is expected to result in an absent or disrupted protein product. Loss-of-function variants in ERCC8 are known to be pathogenic (PMID: 29572252). This variant is not present in population databases (gnomAD no frequency). This variant has not been reported in the literature in individuals affected with ERCC8-related conditions. Algorithms developed to predict the effect of sequence changes on RNA splicing suggest that this variant may disrupt the consensus splice site. For these reasons, this variant has been classified as Pathogenic.

Blueprint Genetics
Classification: Likely pathogenic for ERCC8-related disorders. Last evaluated: 2023-01-30. Review status: criteria provided, single submitter. Criteria: ACMG Guidelines, 2015. Collection method: clinical testing. Allele origin: germline. Affected: yes. Observed: 4 variant alleles.

Literature cited by the submitters: PubMed 29572252 (cited by Labcorp Genetics (formerly Invitae), Labcorp).